The following is an entry in ClinVar:

NM_153717.3(EVC):c.300+213C>T

Gene: EVC (EvC ciliary complex subunit 1; plus strand). Cytogenetic location: 4p16.2.
Variant type: single nucleotide variant.
Coding change: c.300+213C>T on transcript NM_153717.3 (MANE Select); 213 bases into the intron after coding-DNA position 300, C replaced by T.
Molecular consequence: intron variant.
Genome position (GRCh38, 1-based): chr4:5,719,586, C>T. VCF-style: chr4-5719586-C-T. GRCh37 (hg19) VCF-style: chr4-5721313-C-T.
Other names: c.300+213C>T (NM_001306090.2, NM_001306092.2).
Identifiers: ClinVar variation 669932 (VCV000669932.1), dbSNP rs4539985, ClinGen allele CA11634231.
Genomic context (GRCh38, chr4:5,719,586, plus strand): 5'-CAGACTTTAGGTTTTACAGTTTGATGAGTTTTGACAATTGCATGCCCCTTAGAACAAATA[C>T]CCCCCTGAGAATGTTTTCATCACCCAGCAAGTCCTCTAGTGCCCCTTTCTGGTCACTTCC-3'

ClinVar aggregate classification (germline): Benign (1 of 4 stars; one submission).

Allele frequency attached by ClinVar (database versions not stated): 1000 Genomes Project 30x 0.44472; 1000 Genomes Project 0.44928; TOPMed 0.47221; gnomAD 0.50006.
gnomAD v4.1: 73,817 of 151,932 alleles (49%); highest among the groups gnomAD compares: Non-Finnish European, 55%; 18,436 homozygotes.

Submission:

GeneDx
Classification: Benign. Last evaluated: 2018-06-14. Review status: criteria provided, single submitter. Criteria: GeneDx Variant Classification (06012015). Collection method: clinical testing. Allele origin: germline. Affected: yes.
Comment: This variant is considered likely benign or benign based on one or more of the following criteria: it is a conservative change, it occurs at a poorly conserved position in the protein, it is predicted to be benign by multiple in silico algorithms, and/or has population frequency not consistent with disease.